The following is an entry in ClinVar:

NM_024312.5(GNPTAB):c.2887C>T (p.Arg963Trp)

Gene: GNPTAB (N-acetylglucosamine-1-phosphate transferase subunits alpha and beta; minus strand). Cytogenetic location: 12q23.2.
Variant type: single nucleotide variant.
Coding change: c.2887C>T on transcript NM_024312.5 (MANE Select); coding-DNA position 2887, C replaced by T.
Protein change: p.Arg963Trp; replaces arginine 963 with tryptophan.
Molecular consequence: missense variant.
Genome position (GRCh38, 1-based): chr12:101,761,592, G>A on the plus strand (C>T on the coding strand, the complement: GNPTAB is on the minus strand). VCF-style: chr12-101761592-G-A. GRCh37 (hg19) VCF-style: chr12-102155370-G-A.
Other names: c.2887C>T (NM_024312.4); short protein forms R963W.
Identifiers: ClinVar variation 2165429 (VCV002165429.2), dbSNP rs762041904, ClinGen allele CA6746328.
Genomic context (GRCh38, chr12:101,761,592, plus strand): 5'-AAGCAAACAACTCAAACACGAGCAAGACTTACATATCTTGCAGTTCTTGCATAACAATCC[G>A]GTCAATCATGTGAGGCATGTGAGCAGGGACTTTCCGCGATGTGAATCCAAACTTGCTATT-3'
Protein context (NP_077288.2, residues 953-973): VPAHMPHMID[Arg963Trp]IVMQELQDMF

ClinVar aggregate classification (germline): Uncertain significance. Review status: criteria provided, multiple submitters, no conflicts (2 of 4 stars). 2 submissions from 2 submitters: Uncertain significance (2). Last evaluated 2023-11-14.

Conditions:
Mucolipidosis type II. Also called: Mucolipidosis 2; ML 2; Inclusion cell disease; Leroy Disease; N-acetylglucosamine 1phosphotransferase deficiency; ML disorder type 2. Identifiers: Orphanet 576, MedGen C2673377, MONDO:0009650, OMIM 252500.
Pseudo-Hurler polydystrophy. Also called: ML IIIA; Mucolipidosis III Alpha/Beta; MUCOLIPIDOSIS IIIA; ML III; ML III ALPHA/BETA; Type III Mucolipidosis. Identifiers: Orphanet 423461, Orphanet 577, MedGen C0033788, MONDO:0018931, OMIM 252600.
Inborn genetic diseases. Identifiers: MedGen C0950123, MeSH D030342.

Allele frequency attached by ClinVar (database versions not stated): gnomAD exomes 0.00001; TOPMed below 0.00001; ExAC 0.00001; gnomAD 0.00001.
gnomAD v4.1: 11 of 1,613,958 alleles (0.00068%); highest among the groups gnomAD compares: Middle Eastern, 0.016%; no homozygotes.

Submissions (2):

Ambry Genetics
Classification: Uncertain significance for Inborn genetic diseases. Last evaluated: 2023-11-14. Review status: criteria provided, single submitter. Criteria: Ambry Variant Classification Scheme 2023. Collection method: clinical testing. Allele origin: germline.

Labcorp Genetics (formerly Invitae), Labcorp
Classification: Uncertain significance for Pseudo-Hurler polydystrophy; Mucolipidosis type II. Last evaluated: 2021-12-13. Review status: criteria provided, single submitter. Criteria: Invitae Variant Classification Sherloc (09022015). Collection method: clinical testing. Allele origin: germline.
Comment: This sequence change replaces arginine, which is basic and polar, with tryptophan, which is neutral and slightly polar, at codon 963 of the GNPTAB protein (p.Arg963Trp). This variant is present in population databases (rs762041904, gnomAD 0.006%). This variant has not been reported in the literature in individuals affected with GNPTAB-related conditions. Advanced modeling of protein sequence and biophysical properties (such as structural, functional, and spatial information, amino acid conservation, physicochemical variation, residue mobility, and thermodynamic stability) performed at Invitae indicates that this missense variant is expected to disrupt GNPTAB protein function. In summary, the available evidence is currently insufficient to determine the role of this variant in disease. Therefore, it has been classified as a Variant of Uncertain Significance.